The following is an entry in ClinVar:

ClinVar aggregate classification (germline): Conflicting classifications of pathogenicity. Review status: criteria provided, conflicting classifications (1 of 4 stars). 18 submissions from 18 submitters: Uncertain significance (1); Benign (4); Likely benign (10). 3 of the submissions do not count toward it. Last evaluated 2026-02-02.

Conditions:
Connective tissue disorder. Also called: Connective tissue disease. Identifiers: MedGen C0009782, MONDO:0003900.
Familial thoracic aortic aneurysm and aortic dissection (TAAD). Also called: Thoracic aortic aneurysms and dissections. Identifiers: Orphanet 91387, MedGen C4707243, MONDO:0019625.
Aortic aneurysm, familial thoracic 4 (AAT4). Also called: AORTIC ANEURYSM/AORTIC DISSECTION AND PATENT DUCTUS ARTERIOSUS. Identifiers: MedGen C1851504, MONDO:0007568, OMIM 132900.

Allele frequency attached by ClinVar (database versions not stated): TOPMed 0.00043; gnomAD exomes 0.00044 and 0.00068; gnomAD 0.00050 and 0.00053; ExAC 0.00058; ESP Exome Variant Server 0.00100.
gnomAD v4.1: 1,058 of 1,613,918 alleles (0.066%); highest among the groups gnomAD compares: Non-Finnish European, 0.083%; no homozygotes.

Submissions (18):

Labcorp Genetics (formerly Invitae), Labcorp
Classification: Benign for Aortic aneurysm, familial thoracic 4. Last evaluated: 2026-02-02. Review status: criteria provided, single submitter. Criteria: Invitae Variant Classification Sherloc (09022015). Collection method: clinical testing. Allele origin: germline.

CeGaT Center for Human Genetics Tuebingen
Classification: Likely benign. Last evaluated: 2025-11-01. Review status: criteria provided, single submitter. Criteria: CeGaT Center For Human Genetics Tuebingen Variant Classification Criteria Version 2. Collection method: clinical testing. Allele origin: germline. Affected: yes. Observed: 5 variant alleles.
Comment: MYH11: BP4, BP7

ARUP Laboratories, Molecular Genetics and Genomics, ARUP Laboratories
Classification: Likely benign. Last evaluated: 2025-07-03. Review status: criteria provided, single submitter. Criteria: ARUP Molecular Germline Variant Investigation Process 2024. Collection method: clinical testing. Allele origin: germline.

Molecular Diagnostic Laboratory for Inherited Cardiovascular Disease, Montreal Heart Institute
Classification: Benign. Last evaluated: 2025-04-09. Review status: criteria provided, single submitter. Criteria: ACMG Guidelines, 2015. Collection method: clinical testing. Allele origin: germline. Affected: no.

Mayo Clinic Laboratories, Mayo Clinic
Classification: Likely benign. Last evaluated: 2024-11-25. Review status: criteria provided, single submitter. Criteria: ACMG Guidelines, 2015. Collection method: clinical testing. Allele origin: germline. Observed: 2 variant alleles.
Comment: BS1, BP4, BP7

Blueprint Genetics
Classification: Likely benign. Last evaluated: 2024-10-11. Review status: criteria provided, single submitter. Criteria: ACMG Guidelines, 2015. Collection method: clinical testing. Allele origin: germline.

All of Us Research Program, National Institutes of Health
Classification: Likely benign for Familial thoracic aortic aneurysm and aortic dissection. Last evaluated: 2024-02-05. Review status: criteria provided, single submitter. Criteria: ACMG Guidelines, 2015. Collection method: clinical testing. Allele origin: germline. Inheritance: Autosomal dominant inheritance. Observed: 148 variant alleles, 148 heterozygotes.
Comment: This study involves interpretation of variants in research participants for the purpose of population health screening. Participant phenotype was not available at the time of variant classification. Additional details can be found in publication PMID: 35346344, PMCID: PMC8962531

CHEO Genetics Diagnostic Laboratory, Children's Hospital of Eastern Ontario
Classification: Likely benign for Familial thoracic aortic aneurysm and aortic dissection. Last evaluated: 2020-10-22. Review status: criteria provided, single submitter. Criteria: ACMG Guidelines, 2015. Collection method: clinical testing. Allele origin: germline.

Color Diagnostics, LLC DBA Color Health
Classification: Likely benign for Familial thoracic aortic aneurysm and aortic dissection. Last evaluated: 2018-07-20. Review status: criteria provided, single submitter. Criteria: ACMG Guidelines, 2015. Collection method: clinical testing. Allele origin: germline.

Center for Human Genetics, Inc
Classification: Likely benign for Connective tissue disorder. Last evaluated: 2018-06-01. Review status: criteria provided, single submitter. Criteria: ACMG Guidelines, 2015. Collection method: clinical testing. Allele origin: germline. Affected: yes.

Illumina Laboratory Services, Illumina
Classification: Uncertain significance for Aortic aneurysm, familial thoracic 4. Last evaluated: 2018-01-12. Review status: criteria provided, single submitter. Criteria: ICSL Variant Classification Criteria 13 December 2019. Collection method: clinical testing. Allele origin: germline.

Women's Health and Genetics/Laboratory Corporation of America, LabCorp
Classification: Benign. Last evaluated: 2018-01-08. Review status: criteria provided, single submitter. Criteria: LabCorp Variant Classification Summary - May 2015. Collection method: clinical testing. Allele origin: germline.
Comment: Variant summary: The MYH11 c.3052T>C (p.Leu1018Leu) variant involves the alteration of a non-conserved nucleotide, resulting in a synonymous change. One in silico tool predicts a damaging outcome for this variant. 5/5 splice prediction tools predict no significant impact on normal splicing. ESE finder predicts that this variant may affect multiple ESE sites. However, these predictions have yet to be confirmed by functional studies. This variant was found in 121/277210 control chromosomes at a frequency of 0.0004365, which is approximately 349 times the estimated maximal expected allele frequency of a pathogenic MYH11 variant (0.0000013), suggesting this variant is likely a benign polymorphism. In addition, multiple clinical diagnostic laboratories/reputable databases classified this variant as benign/likely benign. Taken together, this variant is classified as benign.

Ambry Genetics
Classification: Likely benign for Familial thoracic aortic aneurysm and aortic dissection. Last evaluated: 2015-02-27. Review status: criteria provided, single submitter. Criteria: Ambry Variant Classification Scheme 2023. Collection method: clinical testing. Allele origin: germline.

GeneDx
Classification: Benign. Last evaluated: 2014-06-11. Review status: criteria provided, single submitter. Criteria: GeneDx Variant Classification (06012015). Collection method: clinical testing. Allele origin: germline. Affected: yes.
Comment: This variant is considered likely benign or benign based on one or more of the following criteria: it is a conservative change, it occurs at a poorly conserved position in the protein, it is predicted to be benign by multiple in silico algorithms, and/or has population frequency not consistent with disease.

PreventionGenetics, part of Exact Sciences
Classification: Likely benign. Review status: criteria provided, single submitter. Criteria: ACMG Guidelines, 2015. Collection method: clinical testing. Allele origin: germline.

Clinical Genetics DNA and cytogenetics Diagnostics Lab, Erasmus MC, Erasmus Medical Center
Classification: Likely benign. Review status: no assertion criteria provided. Collection method: clinical testing. Allele origin: germline. Affected: yes. Study: VKGL Data-share Consensus. Not counted in ClinVar's aggregate classification.

Genome Diagnostics Laboratory, Amsterdam University Medical Center
Classification: Likely benign. Review status: no assertion criteria provided. Collection method: clinical testing. Allele origin: germline. Affected: yes. Study: VKGL Data-share Consensus. Not counted in ClinVar's aggregate classification.

Genome Diagnostics Laboratory, University Medical Center Utrecht
Classification: Likely benign. Review status: no assertion criteria provided. Collection method: clinical testing. Allele origin: germline. Affected: yes. Study: VKGL Data-share Consensus. Not counted in ClinVar's aggregate classification.

NM_002474.3(MYH11):c.3031T>C (p.Leu1011=)

Gene: MYH11 (myosin heavy chain 11; minus strand). Cytogenetic location: 16p13.11.
Variant type: single nucleotide variant.
Coding change: c.3031T>C on transcript NM_002474.3 (MANE Select); coding-DNA position 3031, T replaced by C.
Protein change: p.Leu1011=; no amino-acid change (leucine 1011 retained).
Molecular consequence: synonymous variant.
Genome position (GRCh38, 1-based): chr16:15,738,655, A>G on the plus strand (T>C on the coding strand, the complement: MYH11 is on the minus strand). VCF-style: chr16-15738655-A-G. GRCh37 (hg19) VCF-style: chr16-15832512-A-G.
Other names: p.L1011L:TTA>CTA; p.Leu1018=; c.3052T>C, p.Leu1018= (NM_001040113.2, NM_001040114.2); c.3031T>C, p.Leu1011= (NM_022844.3).
Identifiers: ClinVar variation 201026 (VCV000201026.78), dbSNP rs112861184, ClinGen allele CA306444.